The following is an entry in ClinVar:

ClinVar aggregate classification (germline): Uncertain significance. Review status: criteria provided, multiple submitters, no conflicts (2 of 4 stars). 2 submissions from 2 submitters: Uncertain significance (2). Last evaluated 2025-10-14.

Conditions:
Inborn genetic diseases. Identifiers: MedGen C0950123, MeSH D030342.
COG7 congenital disorder of glycosylation (CDG2E). Also called: CDG IIe; CONGENITAL DISORDER OF GLYCOSYLATION, TYPE IIe. Identifiers: Orphanet 79333, MedGen C2931010, MONDO:0012118, OMIM 608779.

Allele frequency attached by ClinVar (database versions not stated): gnomAD 0.00001; TOPMed 0.00001.
gnomAD v4.1: 8 of 1,614,064 alleles (0.0005%); highest among the groups gnomAD compares: Middle Eastern, 0.016%; no homozygotes.

Submissions (2):

Ambry Genetics
Classification: Uncertain significance for Inborn genetic diseases. Last evaluated: 2025-10-14. Review status: criteria provided, single submitter. Criteria: Ambry Variant Classification Scheme 2023. Collection method: clinical testing. Allele origin: germline.

Labcorp Genetics (formerly Invitae), Labcorp
Classification: Uncertain significance for COG7 congenital disorder of glycosylation. Last evaluated: 2023-11-19. Review status: criteria provided, single submitter. Criteria: Invitae Variant Classification Sherloc (09022015). Collection method: clinical testing. Allele origin: germline.
Comment: This sequence change replaces glycine, which is neutral and non-polar, with serine, which is neutral and polar, at codon 301 of the COG7 protein (p.Gly301Ser). This variant is present in population databases (no rsID available, gnomAD 0.007%). This variant has not been reported in the literature in individuals affected with COG7-related conditions. Advanced modeling of protein sequence and biophysical properties (such as structural, functional, and spatial information, amino acid conservation, physicochemical variation, residue mobility, and thermodynamic stability) performed at Invitae indicates that this missense variant is not expected to disrupt COG7 protein function with a negative predictive value of 80%. In summary, the available evidence is currently insufficient to determine the role of this variant in disease. Therefore, it has been classified as a Variant of Uncertain Significance.

NM_153603.4(COG7):c.901G>A (p.Gly301Ser)

Gene: COG7 (component of oligomeric golgi complex 7; minus strand). Cytogenetic location: 16p12.2.
Variant type: single nucleotide variant.
Coding change: c.901G>A on transcript NM_153603.4 (MANE Select); coding-DNA position 901, G replaced by A.
Protein change: p.Gly301Ser; replaces glycine 301 with serine.
Molecular consequence: missense variant.
Genome position (GRCh38, 1-based): chr16:23,424,857, C>T on the plus strand (G>A on the coding strand, the complement: COG7 is on the minus strand). VCF-style: chr16-23424857-C-T. GRCh37 (hg19) VCF-style: chr16-23436178-C-T.
Other names: c.901G>A (NM_153603.3); short protein forms G301S.
Identifiers: ClinVar variation 2887097 (VCV002887097.4), dbSNP rs771367396, ClinGen allele CA395121454.